The following is an entry in ClinVar:

NM_024312.5(GNPTAB):c.344_345del (p.Thr115fs)

Gene: GNPTAB (N-acetylglucosamine-1-phosphate transferase subunits alpha and beta; minus strand). Cytogenetic location: 12q23.2.
Variant type: Microsatellite.
Coding change: c.344_345del on transcript NM_024312.5 (MANE Select); coding-DNA positions 344 to 345, 2 bases deleted (CA; older notation c.344_345delCA).
Protein change: p.Thr115fs; shifts the reading frame from threonine 115.
Molecular consequence: frameshift variant.
Genome position (GRCh38, 1-based): chr12:101,788,568-101,788,569, TG deleted on the plus strand (CA on the coding strand, the reverse complement: GNPTAB is on the minus strand); deleting any 2 consecutive bases within chr12:101,788,568-101,788,572 gives the same sequence; the c. name uses the placement nearest the transcript's 3' end. VCF-style (leftmost placement, unchanged base first): chr12-101788567-TTG-T. GRCh37 (hg19) VCF-style: chr12-102182345-TTG-T.
Other names: c.344_345del (NM_024312.4); short protein forms T115fs.
Identifiers: ClinVar variation 39073 (VCV000039073.20), dbSNP rs281864954, ClinGen allele CA343400.

ClinVar aggregate classification (germline): Pathogenic/Likely pathogenic. Review status: criteria provided, multiple submitters, no conflicts (2 of 4 stars). 7 submissions from 7 submitters: Pathogenic (4); Likely pathogenic (1). 2 of the submissions do not count toward it. Last evaluated 2026-01-09.

Conditions:
Mucolipidosis. Also called: Mucolipidoses. Identifiers: Orphanet 79212, MedGen C0026697, MONDO:0019248.
Mucolipidosis type II. Also called: Mucolipidosis 2; ML 2; Inclusion cell disease; Leroy Disease; N-acetylglucosamine 1phosphotransferase deficiency; ML disorder type 2. Identifiers: Orphanet 576, MedGen C2673377, MONDO:0009650, OMIM 252500.
Pseudo-Hurler polydystrophy. Also called: Type III Mucolipidosis; ML IIIA; Mucolipidosis III Alpha/Beta; MUCOLIPIDOSIS IIIA; ML III; ML III ALPHA/BETA. Identifiers: Orphanet 423461, Orphanet 577, MedGen C0033788, MONDO:0018931, OMIM 252600.

Submissions (7):

Labcorp Genetics (formerly Invitae), Labcorp
Classification: Pathogenic for Pseudo-Hurler polydystrophy; Mucolipidosis type II. Last evaluated: 2026-01-09. Review status: criteria provided, single submitter. Criteria: Invitae Variant Classification Sherloc (09022015). Collection method: clinical testing. Allele origin: germline.
Comment: This sequence change creates a premature translational stop signal (p.Thr115Asnfs*5) in the GNPTAB gene. It is expected to result in an absent or disrupted protein product. Loss-of-function variants in GNPTAB are known to be pathogenic (PMID: 19617216, 25107912). This variant is present in population databases (rs761987059, gnomAD 0.03%). This premature translational stop signal has been observed in individuals with mucolipidosis (PMID: 19617216). ClinVar contains an entry for this variant (Variation ID: 39073). For these reasons, this variant has been classified as Pathogenic.

Natera, Inc.
Classification: Pathogenic for Mucolipidosis type II. Last evaluated: 2024-07-26. Review status: criteria provided, single submitter. Criteria: Natera Variant Classification Schema (03/2026). Collection method: clinical testing. Allele origin: germline.
Comment: The c.344_345delCA variant in GNPTAB is a frameshift variant predicted to shift the reading frame beginning at codon 115 and leads to a stop codon 5 codons downstream. This variant is expected to result in nonsense mediated decay, truncation, or a dysfunctional protein product. This variant is rare in the general population with a frequency below the threshold expected for the associated phenotype(s). This variant has been observed in one or more individuals affected with the associated recessive disease, as either homozygous or compound heterozygous with a second variant (PMID: 19617216). Given the available evidence, this variant is classified as Pathogenic.

GeneDx
Classification: Likely pathogenic. Last evaluated: 2023-06-12. Review status: criteria provided, single submitter. Criteria: GeneDx Variant Classification Process June 2021. Collection method: clinical testing. Allele origin: germline. Affected: yes.
Comment: Frameshift variant predicted to result in protein truncation or nonsense mediated decay in a gene for which loss of function is a known mechanism of disease; This variant is associated with the following publications: (PMID: 24127423, 19617216, 30882951, 32182687, 25601403)

Women's Health and Genetics/Laboratory Corporation of America, LabCorp
Classification: Pathogenic for Mucolipidosis. Last evaluated: 2020-08-07. Review status: criteria provided, single submitter. Criteria: LabCorp Variant Classification Summary - May 2015. Collection method: clinical testing. Allele origin: germline.
Comment: Variant summary: GNPTAB c.344_345delCA (p.Thr115AsnfsX5) results in a premature termination codon, predicted to cause a truncation of the encoded protein or absence of the protein due to nonsense mediated decay, which are commonly known mechanisms for disease. Truncations downstream of this position have been classified as pathogenic by our laboratory. The variant allele was found at a frequency of 4.8e-05 in 251084 control chromosomes (gnomAD). This frequency is not significantly higher than expected for a pathogenic variant in GNPTAB causing Mucolipidosis (4.8e-05 vs 0.0022), allowing no conclusion about variant significance. c.344_345delCA has been reported in the literature in multiple individuals in compound heterozygous and homozygous states affected with Mucolipidosis II (Cathey_2010, Kollmann_2013). These data indicate that the variant is very likely to be associated with disease. To our knowledge, no experimental evidence demonstrating an impact on protein function has been reported. Three ClinVar submitters (evaluation after 2014) cite the variant as pathogenic. Based on the evidence outlined above, the variant was classified as pathogenic.

Eurofins Ntd Llc (ga)
Classification: Pathogenic. Last evaluated: 2016-12-02. Review status: criteria provided, single submitter. Criteria: EGL Classification Definitions 2015. Collection method: clinical testing. Allele origin: germline.

Counsyl
Classification: Pathogenic for Mucolipidosis type II; Pseudo-Hurler polydystrophy. Last evaluated: 2018-05-15. Review status: no assertion criteria provided. Collection method: clinical testing. Allele origin: unknown. Not counted in ClinVar's aggregate classification.

GeneReviews
No classification provided. Condition: Mucolipidosis type II. Review status: no classification provided. Collection method: literature only. Allele origin: unknown. Not counted in ClinVar's aggregate classification.

Literature cited by the submitters: PubMed 19617216 (cited by 5 submitters); PubMed 25107912 (cited by Labcorp Genetics (formerly Invitae), Labcorp); PubMed 24127423 (cited by Women's Health and Genetics/Laboratory Corporation of America, LabCorp); PubMed 20301728 (cited by GeneReviews); NCBI Bookshelf NBK1828 (cited by GeneReviews).